The following is an entry in ClinVar:

ClinVar aggregate classification (germline): Likely benign. Review status: criteria provided, multiple submitters, no conflicts (2 of 4 stars). 3 submissions from 3 submitters: Likely benign (2). 1 of the submissions does not count toward it. Last evaluated 2025-11-15.

Conditions:
Developmental and epileptic encephalopathy, 8 (DEE8). Also called: HYPEREKPLEXIA AND EPILEPSY. Identifiers: Orphanet 163985, Orphanet 2076, MedGen C1845102, MONDO:0010375, OMIM 300607.
ARHGEF9-related disorder. Also called: ARHGEF9-related condition.

Allele frequency attached by ClinVar (database versions not stated): TOPMed 0.00004; gnomAD exomes 0.00014; gnomAD 0.00007 and 0.00006.
gnomAD v4.1: 27 of 1,163,477 alleles (0.0023%); highest among the groups gnomAD compares: Admixed American, 0.039%; no homozygotes.

Submissions (3):

Labcorp Genetics (formerly Invitae), Labcorp
Classification: Likely benign for Developmental and epileptic encephalopathy, 8. Last evaluated: 2025-11-15. Review status: criteria provided, single submitter. Criteria: Invitae Variant Classification Sherloc (09022015). Collection method: clinical testing. Allele origin: germline.

GeneDx
Classification: Likely benign. Last evaluated: 2020-03-09. Review status: criteria provided, single submitter. Criteria: GeneDx Variant Classification Process June 2021. Collection method: clinical testing. Allele origin: germline. Affected: yes.

PreventionGenetics, part of Exact Sciences
Classification: Likely benign for ARHGEF9-related condition. Last evaluated: 2022-11-16. Review status: no assertion criteria provided. Collection method: clinical testing. Allele origin: germline. Not counted in ClinVar's aggregate classification.
Comment: This variant is classified as likely benign based on ACMG/AMP sequence variant interpretation guidelines (Richards et al. 2015 PMID: 25741868, with internal and published modifications).

NM_001353921.2(ARHGEF9):c.24G>A (p.Ser8=)

Gene: ARHGEF9 (Cdc42 guanine nucleotide exchange factor 9; minus strand). Cytogenetic location: Xq11.1.
Variant type: single nucleotide variant.
Coding change: c.24G>A on transcript NM_001353921.2 (MANE Select); coding-DNA position 24, G replaced by A.
Protein change: p.Ser8=; no amino-acid change (serine 8 retained).
Molecular consequence: synonymous variant. On other transcripts: 5 prime UTR variant (2).
Genome position (GRCh38, 1-based): chrX:63,785,122, C>T on the plus strand (G>A on the coding strand, the complement: ARHGEF9 is on the minus strand). VCF-style: chrX-63785122-C-T. GRCh37 (hg19) VCF-style: chrX-63005002-C-T.
Other names: c.24G>A, p.Ser8= (NM_001353922.2, NM_001173479.2); c.-138G>A (NM_001369043.1, NM_001330495.2).
Identifiers: ClinVar variation 507592 (VCV000507592.14), dbSNP rs1413001108, ClinGen allele CA516873561.